The following is an entry in ClinVar:

ClinVar aggregate classification (germline): Pathogenic (1 of 4 stars; one submission).

Conditions:
Hereditary nonpolyposis colon cancer (HNPCC). Also called: Hereditary nonpolyposis colorectal cancer; Familial nonpolyposis colon cancer; Hereditary Nonpolyposis Colorectal Cancer Syndrome. Identifiers: Orphanet 443909, MedGen C1333990, MONDO:0018630. Disease mechanism: loss of function.

Submission:

Women's Health and Genetics/Laboratory Corporation of America, LabCorp
Classification: Pathogenic for Hereditary nonpolyposis colon cancer. Last evaluated: 2024-06-10. Review status: criteria provided, single submitter. Criteria: LabCorp Variant Classification Summary - May 2015. Collection method: clinical testing. Allele origin: germline.
Comment: Variant summary: PMS2 c.1732_1733ins79 (p.Arg578GlnfsX12) results in a premature termination codon, predicted to cause a truncation of the encoded protein or absence of the protein due to nonsense mediated decay, which are commonly known mechanisms for disease. The variant was absent in 251352 control chromosomes. To our knowledge, no occurrence of c.1732_1733ins79 in individuals affected with Lynch Syndrome and no experimental evidence demonstrating its impact on protein function have been reported. No submitters have cited clinical-significance assessments for this variant to ClinVar. Based on the evidence outlined above, the variant was classified as pathogenic.

NM_000535.7(PMS2):c.1732_1733insAGATCGGAAGAGCGTCGTGTAGGGAAAGAGTGTAGATTTCCTGCTGTGACTGGAGTTCAGACGTGTGCTCTTCCGATCT (p.Arg578delinsGlnIleGlyArgAlaSerCysArgGluArgValTer)

Gene: PMS2 (PMS1 homolog 2, mismatch repair system component; minus strand). Cytogenetic location: 7p22.1.
Variant type: Insertion.
Coding change: c.1732_1733insAGATCGGAAGAGCGTCGTGTAGGGAAAGAGTGTAGATTTCCTGCTGTGACTGGAGTTCAGACGTGTGCTCTTCCGATCT on transcript NM_000535.7 (MANE Select); coding-DNA positions 1732 to 1733, AGATCGGAAGAGCGTCGTGTAGGGAAAGAGTGTAGATTTCCTGCTGTGACTGGAGTTCAGACGTGTGCTCTTCCGATCT inserted.
Protein change: p.Arg578delinsGlnIleGlyArgAlaSerCysArgGluArgValTer.
Molecular consequence: nonsense. On other transcripts: non-coding transcript variant (1), intron variant (1).
Genome position: GRCh38: chr7:5,987,032-5,987,033. GRCh37 (hg19): chr7:6,026,663-6,026,664.
Other names: c.1327_1328insAGATCGGAAGAGCGTCGTGTAGGGAAAGAGTGTAGATTTCCTGCTGTGACTGGAGTTCAGACGTGTGCTCTTCCGATCT, p.Arg443delinsGlnIleGlyArgAlaSerCysArgGluArgValTer (NM_001322003.2, NM_001322004.2, NM_001322005.2 and 16 more transcripts); c.1576_1577insAGATCGGAAGAGCGTCGTGTAGGGAAAGAGTGTAGATTTCCTGCTGTGACTGGAGTTCAGACGTGTGCTCTTCCGATCT, p.Arg526delinsGlnIleGlyArgAlaSerCysArgGluArgValTer (NM_001322006.2, NM_001406870.1); c.1414_1415insAGATCGGAAGAGCGTCGTGTAGGGAAAGAGTGTAGATTTCCTGCTGTGACTGGAGTTCAGACGTGTGCTCTTCCGATCT, p.Arg472delinsGlnIleGlyArgAlaSerCysArgGluArgValTer (NM_001322007.2, NM_001322008.2, NM_001406876.1 and 2 more transcripts); c.1171_1172insAGATCGGAAGAGCGTCGTGTAGGGAAAGAGTGTAGATTTCCTGCTGTGACTGGAGTTCAGACGTGTGCTCTTCCGATCT, p.Arg391delinsGlnIleGlyArgAlaSerCysArgGluArgValTer (NM_001322010.2, NM_001406906.1, NM_001406907.1); c.799_800insAGATCGGAAGAGCGTCGTGTAGGGAAAGAGTGTAGATTTCCTGCTGTGACTGGAGTTCAGACGTGTGCTCTTCCGATCT, p.Arg267delinsGlnIleGlyArgAlaSerCysArgGluArgValTer (NM_001322011.2, NM_001322012.2); c.1159_1160insAGATCGGAAGAGCGTCGTGTAGGGAAAGAGTGTAGATTTCCTGCTGTGACTGGAGTTCAGACGTGTGCTCTTCCGATCT, p.Arg387delinsGlnIleGlyArgAlaSerCysArgGluArgValTer (NM_001322013.2, NM_001406909.1); c.1732_1733insAGATCGGAAGAGCGTCGTGTAGGGAAAGAGTGTAGATTTCCTGCTGTGACTGGAGTTCAGACGTGTGCTCTTCCGATCT, p.Arg578delinsGlnIleGlyArgAlaSerCysArgGluArgValTer (NM_001322014.2, NM_001406871.1, NM_001406872.1); c.1423_1424insAGATCGGAAGAGCGTCGTGTAGGGAAAGAGTGTAGATTTCCTGCTGTGACTGGAGTTCAGACGTGTGCTCTTCCGATCT, p.Arg475delinsGlnIleGlyArgAlaSerCysArgGluArgValTer (NM_001322015.2, NM_001406875.1, NM_001406877.1 and 5 more transcripts); and 13 more.
Identifiers: ClinVar variation 3339631 (VCV003339631.1).